The following is an entry in ClinVar:

NM_000059.4(BRCA2):c.3689C>G (p.Ser1230Cys)

Gene: BRCA2 (BRCA2 DNA repair associated; plus strand). Cytogenetic location: 13q13.1.
Variant type: single nucleotide variant.
Coding change: c.3689C>G on transcript NM_000059.4 (MANE Select); coding-DNA position 3689, C replaced by G.
Protein change: p.Ser1230Cys; replaces serine 1230 with cysteine.
Molecular consequence: missense variant. On other transcripts: non-coding transcript variant (1), intron variant (2).
Genome position (GRCh38, 1-based): chr13:32,338,044, C>G. VCF-style: chr13-32338044-C-G. GRCh37 (hg19) VCF-style: chr13-32912181-C-G.
Other names: c.3689C>G, p.Ser1230Cys (NM_001406719.1, NM_001406720.1); c.1909+4657C>G (NM_001406721.1); c.425-6514C>G (NM_001406722.1); short protein forms S1230C.
Identifiers: ClinVar variation 3226333 (VCV003226333.1), dbSNP rs2137499058, ClinGen allele CA387778027.

ClinVar aggregate classification (germline): Uncertain significance (1 of 4 stars; one submission).

Conditions:
Hereditary cancer-predisposing syndrome. Also called: Neoplastic Syndromes, Hereditary; Tumor predisposition; Hereditary neoplastic syndrome; Hereditary Cancer Syndrome. Identifiers: Orphanet 140162, MedGen C0027672, MeSH D009386, MONDO:0015356.

Submission:

Ambry Genetics
Classification: Uncertain significance for Hereditary cancer-predisposing syndrome. Last evaluated: 2022-12-31. Review status: criteria provided, single submitter. Criteria: Ambry Variant Classification Scheme 2023. Collection method: clinical testing. Allele origin: germline.
Comment: The p.S1230C variant (also known as c.3689C>G), located in coding exon 10 of the BRCA2 gene, results from a C to G substitution at nucleotide position 3689. The serine at codon 1230 is replaced by cysteine, an amino acid with dissimilar properties. This amino acid position is conserved. In addition, the in silico prediction for this alteration is inconclusive. Since supporting evidence is limited at this time, the clinical significance of this alteration remains unclear.